The following is an entry in ClinVar:

ClinVar aggregate classification (germline): Uncertain significance (1 of 4 stars; one submission).

Conditions:
Dilated cardiomyopathy 1G (CMD1G). Identifiers: Orphanet 154, MedGen C1858763, MONDO:0011400, OMIM 604145.
Autosomal recessive limb-girdle muscular dystrophy type 2J (LGMDR10). Also called: Limb-girdle muscular dystrophy, type 2J; MUSCULAR DYSTROPHY, LIMB-GIRDLE, AUTOSOMAL RECESSIVE 10. Identifiers: Orphanet 140922, MedGen C1837342, MONDO:0012127, OMIM 608807.

Submission:

Labcorp Genetics (formerly Invitae), Labcorp
Classification: Uncertain significance for Dilated cardiomyopathy 1G; Autosomal recessive limb-girdle muscular dystrophy type 2J. Last evaluated: 2023-08-17. Review status: criteria provided, single submitter. Criteria: Invitae Variant Classification Sherloc (09022015). Collection method: clinical testing. Allele origin: germline.
Comment: In summary, the available evidence is currently insufficient to determine the role of this variant in disease. Therefore, it has been classified as a Variant of Uncertain Significance. This sequence change replaces threonine, which is neutral and polar, with isoleucine, which is neutral and non-polar, at codon 35133 of the TTN protein (p.Thr35133Ile). This variant is not present in population databases (gnomAD no frequency). This variant has not been reported in the literature in individuals affected with TTN-related conditions. ClinVar contains an entry for this variant (Variation ID: 2032507). Experimental studies and prediction algorithms are not available or were not evaluated, and the functional significance of this variant is currently unknown. This variant is located in the M band of TTN (PMID: 25589632). Variants in this region may be relevant for neuromuscular disorders, but have not been definitively shown to cause cardiomyopathy (PMID: 23975875).

Literature cited by the submitters: PubMed 25589632; PubMed 23975875.

NM_001267550.2(TTN):c.105398C>T (p.Thr35133Ile)

Genes: TTN (titin; minus strand), TTN-AS1 (TTN antisense RNA 1; plus strand). Cytogenetic location: 2q31.2.
Variant type: single nucleotide variant.
Coding change: c.105398C>T on transcript NM_001267550.2 (MANE Select); coding-DNA position 105398, C replaced by T.
Protein change: p.Thr35133Ile; replaces threonine 35133 with isoleucine.
Molecular consequence: missense variant.
Genome position (GRCh38, 1-based): chr2:178,531,217, G>A on the plus strand (C>T on the coding strand, the complement: TTN is on the minus strand). VCF-style: chr2-178531217-G-A. GRCh37 (hg19) VCF-style: chr2-179395944-G-A.
Other names: c.100475C>T, p.Thr33492Ile (NM_001256850.1); c.78203C>T, p.Thr26068Ile (NM_003319.4); c.97694C>T, p.Thr32565Ile (NM_133378.4); c.78578C>T, p.Thr26193Ile (NM_133432.3); c.78779C>T, p.Thr26260Ile (NM_133437.4); short protein forms T26193I, T33492I, T32565I, T26068I, T26260I, T35133I.
Identifiers: ClinVar variation 2032507 (VCV002032507.4), dbSNP rs2468401701, ClinGen allele CA349408842.